The following is an entry in ClinVar:

NM_005629.4(SLC6A8):c.544G>A (p.Val182Met)

Gene: SLC6A8 (solute carrier family 6 member 8; plus strand). Cytogenetic location: Xq28.
Variant type: single nucleotide variant.
Coding change: c.544G>A on transcript NM_005629.4 (MANE Select); coding-DNA position 544, G replaced by A.
Protein change: p.Val182Met; replaces valine 182 with methionine.
Molecular consequence: missense variant.
Genome position (GRCh38, 1-based): chrX:153,691,453, G>A. VCF-style: chrX-153691453-G-A. GRCh37 (hg19) VCF-style: chrX-152956908-G-A.
Other names: NM_005629.4(SLC6A8):c.544G>A; p.Val182Met; c.544G>A, p.Val182Met (NM_001142805.2); c.199G>A, p.Val67Met (NM_001142806.1); short protein forms V182M, V67M.
Identifiers: ClinVar variation 465147 (VCV000465147.22), dbSNP rs149024147, ClinGen allele CA10549204.

ClinVar aggregate classification (germline): Benign. Review status: reviewed by expert panel (3 of 4 stars). 8 submissions from 8 submitters: Benign (1). 7 of the submissions do not count toward it. Last evaluated 2022-06-06.

Conditions:
Creatine transporter deficiency (CCDS1). Also called: SLC6A8-Related Creatine Transporter Deficiency; CREATINE TRANSPORTER DEFECT; CEREBRAL CREATINE DEFICIENCY SYNDROME 1; Mental retardation , X-linked with seizures, short stature and midface hypoplasia; Mental retardation , X-linked, with creatine transport deficiency; X-linked creatine transporter deficiency. Identifiers: Orphanet 52503, MedGen C1845862, MONDO:0010305, OMIM 300352.
Inborn genetic diseases. Identifiers: MedGen C0950123, MeSH D030342.

Allele frequency attached by ClinVar (database versions not stated): gnomAD exomes 0.00003 and 0.00005; ExAC 0.00006; ESP Exome Variant Server 0.00009; TOPMed 0.00025; gnomAD 0.00031 and 0.00032.

Submissions (8):

ClinGen Cerebral Creatine Deficiency Syndromes Variant Curation Expert Panel, ClinGen
Classification: Benign for Creatine transporter deficiency. Last evaluated: 2022-06-06. Review status: reviewed by expert panel. Criteria: ClinGen_CCDS_ACMG_Specifications_SLC6A8_v1.1. Collection method: curation. Allele origin: germline. Inheritance: X-linked inheritance.
Comment: The NM_005629.4:c.544G>A variant in SLC6A8 is a missense variant predicted to cause substitution of valine by methionine at amino acid 182 (p.Val182Met). The highest population minor allele frequency in gnomAD v2.1.1 is 0.00084 (16/19086 alleles) in the African/African American population, meeting the CCDS VCEP’s allele frequency threshold for BS1 (>0.0002) (BS1). This variant is present in 5 or more hemizygotes in gnomAD v2.1.1 (BS2). Furthermore, the variant did not segregate with intellectual disability in multiple brothers, and the proband with the variant had normal urine creatine and normal cerebral creatine on 1H-magnetic resonance spectroscopy (PMID 16738945). The computational predictor REVEL gives a score of 0.184, evidence that does not predict a damaging effect on SLC6A8 function, and SpliceAI predicts no impact of the variant on splicing (BP4). There is a ClinVar entry for this variant (Variation ID: 465147). In summary, this variant meets the criteria to be classified as benign for creatine transporter deficiency. SLC6A8-specific ACMG/AMP codes met, as specified by the ClinGen CCDS VCEP (Specifications Version 1.1.0): BS1, BS2, BP4. (Classification approved by the ClinGen CCDS VCEP on June 6, 2022).

Labcorp Genetics (formerly Invitae), Labcorp
Classification: Benign for Creatine transporter deficiency. Last evaluated: 2025-12-17. Review status: criteria provided, single submitter. Criteria: Invitae Variant Classification Sherloc (09022015). Collection method: clinical testing. Allele origin: germline. Not counted in ClinVar's aggregate classification.

Ambry Genetics
Classification: Likely benign for Inborn genetic diseases. Last evaluated: 2025-01-28. Review status: criteria provided, single submitter. Criteria: Ambry Variant Classification Scheme 2023. Collection method: clinical testing. Allele origin: germline. Not counted in ClinVar's aggregate classification.

GeneDx
Classification: Likely benign. Last evaluated: 2020-06-30. Review status: criteria provided, single submitter. Criteria: GeneDx Variant Classification Process June 2021. Collection method: clinical testing. Allele origin: germline. Affected: yes. Not counted in ClinVar's aggregate classification.
Comment: This variant is associated with the following publications: (PMID: 16738945)

Athena Diagnostics
Classification: Uncertain significance. Last evaluated: 2018-04-24. Review status: criteria provided, single submitter. Criteria: Athena Diagnostics Criteria. Collection method: clinical testing. Allele origin: germline. Not counted in ClinVar's aggregate classification.

Blueprint Genetics
Classification: Likely benign. Last evaluated: 2018-03-24. Review status: criteria provided, single submitter. Criteria: ACMG Guidelines, 2015. Collection method: clinical testing. Allele origin: germline. Not counted in ClinVar's aggregate classification.

Clinical Genetics DNA and cytogenetics Diagnostics Lab, Erasmus MC, Erasmus Medical Center
Classification: Likely benign. Review status: no assertion criteria provided. Collection method: clinical testing. Allele origin: germline. Affected: yes. Study: VKGL Data-share Consensus. Not counted in ClinVar's aggregate classification.

Genome Diagnostics Laboratory, University Medical Center Utrecht
Classification: Likely benign. Review status: no assertion criteria provided. Collection method: clinical testing. Allele origin: germline. Affected: yes. Study: VKGL Data-share Consensus. Not counted in ClinVar's aggregate classification.

Literature cited by the submitters: PubMed 16738945 (cited by Athena Diagnostics); PubMed 23408511 (cited by Athena Diagnostics).